The following is an entry in ClinVar:

ClinVar aggregate classification (germline): Uncertain significance (1 of 4 stars; one submission).

Conditions:
Hereditary cancer-predisposing syndrome. Also called: Neoplastic Syndromes, Hereditary; Tumor predisposition; Hereditary neoplastic syndrome; Hereditary Cancer Syndrome. Identifiers: Orphanet 140162, MedGen C0027672, MeSH D009386, MONDO:0015356.

Submission:

Ambry Genetics
Classification: Uncertain significance for Hereditary cancer-predisposing syndrome. Last evaluated: 2026-07-07. Review status: criteria provided, single submitter. Criteria: Ambry Variant Classification Scheme 2023. Collection method: clinical testing. Allele origin: germline.
Comment: The p.L417P variant (also known as c.1250T>C), located in coding exon 13 of the POLE gene, results from a T to C substitution at nucleotide position 1250. The leucine at codon 417 is replaced by proline, an amino acid with similar properties. This amino acid position is conserved. In addition, this alteration is predicted to be deleterious by in silico analysis. Based on the available evidence, the clinical significance of this variant remains unclear.

NM_006231.4(POLE):c.1250T>C (p.Leu417Pro)

Gene: POLE (DNA polymerase epsilon, catalytic subunit; minus strand). Cytogenetic location: 12q24.33.
Variant type: single nucleotide variant.
Coding change: c.1250T>C on transcript NM_006231.4 (MANE Select); coding-DNA position 1250, T replaced by C.
Protein change: p.Leu417Pro; replaces leucine 417 with proline.
Molecular consequence: missense variant.
Genome position (GRCh38, 1-based): chr12:132,673,684, A>G on the plus strand (T>C on the coding strand, the complement: POLE is on the minus strand). VCF-style: chr12-132673684-A-G. GRCh37 (hg19) VCF-style: chr12-133250270-A-G.
Other names: short protein forms L417P.
Identifiers: ClinVar variation 5027067 (VCV005027067.1).